The following is an entry in ClinVar:

ClinVar aggregate classification (germline): Conflicting classifications of pathogenicity. Review status: criteria provided, conflicting classifications (1 of 4 stars). 3 submissions from 3 submitters: Likely pathogenic (2); Uncertain significance (1). Last evaluated 2026-05-04.

Conditions:
Hereditary cancer-predisposing syndrome. Also called: Hereditary Cancer Syndrome; Tumor predisposition; Hereditary neoplastic syndrome; Neoplastic Syndromes, Hereditary. Identifiers: Orphanet 140162, MedGen C0027672, MeSH D009386, MONDO:0015356.
Breast-ovarian cancer, familial, susceptibility to, 4. Identifiers: Orphanet 145, MedGen C3280345, MONDO:0013669, OMIM 614291.

Submissions (3):

Ambry Genetics
Classification: Likely pathogenic for Hereditary cancer-predisposing syndrome. Last evaluated: 2026-05-04. Review status: criteria provided, single submitter. Criteria: Ambry Variant Classification Scheme 2023. Collection method: clinical testing. Allele origin: germline.
Comment: The p.M1? variant (also known as c.2T>C) is located in coding exon 1 of the RAD51D gene and results from a T to C substitution at nucleotide position 2. This alters the methionine residue at the initiation codon (ATG). This variant is considered to be rare based on population cohorts in the Genome Aggregation Database (gnomAD). This amino acid position is highly conserved in available vertebrate species. Sequence variations that modify the initiation codon are expected to result in either loss of translation initiation, N-terminal truncation, or cause a shift in the mRNA reading frame. Based on the majority of available evidence to date, this variant is likely to be pathogenic.

GeneDx
Classification: Likely pathogenic. Last evaluated: 2022-09-24. Review status: criteria provided, single submitter. Criteria: GeneDx Variant Classification Process June 2021. Collection method: clinical testing. Allele origin: germline. Affected: yes.
Comment: Initiation codon variant in a gene for which loss of function is a known mechanism of disease; Not observed at significant frequency in large population cohorts (gnomAD); This variant is associated with the following publications: (PMID: 24130102, 26681312)

Labcorp Genetics (formerly Invitae), Labcorp
Classification: Uncertain significance for Breast-ovarian cancer, familial, susceptibility to, 4. Last evaluated: 2018-07-20. Review status: criteria provided, single submitter. Criteria: Invitae Variant Classification Sherloc (09022015). Collection method: clinical testing. Allele origin: germline.
Comment: This sequence change affects the initiator methionine of the RAD51D mRNA. The next in-frame methionine is located at codon 16. This variant is not present in population databases (ExAC no frequency). This variant has not been reported in the literature in individuals with RAD51D-related disease. ClinVar contains an entry for this variant (Variation ID: 450694). In summary, the available evidence is currently insufficient to determine the role of this variant in disease. Therefore, it has been classified as a Variant of Uncertain Significance. Experimental studies have not been reported for this initiation codon variant and it is currently unknown if translation is rescued by a downstream methionine.

NM_002878.4(RAD51D):c.2T>C (p.Met1Thr)

Genes: RAD51D (RAD51 paralog D; minus strand), RAD51L3-RFFL (RAD51L3-RFFL readthrough; minus strand). Cytogenetic location: 17q12.
Variant type: single nucleotide variant.
Coding change: c.2T>C on transcript NM_002878.4 (MANE Select); coding-DNA position 2, T replaced by C.
Protein change: p.Met1Thr; changes the start codon (methionine 1).
Molecular consequence: missense variant, initiator codon variant. On other transcripts: non-coding transcript variant (2).
Genome position (GRCh38, 1-based): chr17:35,119,612, A>G on the plus strand (T>C on the coding strand, the complement: RAD51D is on the minus strand). VCF-style: chr17-35119612-A-G. GRCh37 (hg19) VCF-style: chr17-33446631-A-G.
Other names: c.2T>C, p.Met1Thr (NM_001142571.2, NM_133629.3); short protein forms M1T.
Identifiers: ClinVar variation 450694 (VCV000450694.15), dbSNP rs1064794619, ClinGen allele CA399092628.
Genomic context (GRCh38, chr17:35,119,612, plus strand): 5'-CTGAGAAGCTGGATCATCTCCTCGGTAAGGCCAGGGCACAGTCCGACCCTGAGCACGCCC[A>G]TGTTCCCCGCAGGCCGGAACAGCCCCAGGGGGACTGCACGTCACGTGGGCATTCGCGGGG-3'
Protein context (NP_002869.3, residues 1-11): [Met1Thr]GVLRVGLCPG